The following is an entry in ClinVar:

NM_032043.3(BRIP1):c.2763T>C (p.Tyr921=)

Gene: BRIP1 (BRCA1 interacting DNA helicase 1; minus strand). Cytogenetic location: 17q23.2.
Variant type: single nucleotide variant.
Coding change: c.2763T>C on transcript NM_032043.3 (MANE Select); coding-DNA position 2763, T replaced by C.
Protein change: p.Tyr921=; no amino-acid change (tyrosine 921 retained).
Molecular consequence: synonymous variant.
Genome position (GRCh38, 1-based): chr17:61,685,978, A>G on the plus strand (T>C on the coding strand, the complement: BRIP1 is on the minus strand). VCF-style: chr17-61685978-A-G. GRCh37 (hg19) VCF-style: chr17-59763339-A-G.
Identifiers: ClinVar variation 491455 (VCV000491455.18), dbSNP rs1555573356, ClinGen allele CA501335727.

ClinVar aggregate classification (germline): Benign/Likely benign. Review status: criteria provided, multiple submitters, no conflicts (2 of 4 stars). 4 submissions from 4 submitters: Benign (1); Likely benign (3). Last evaluated 2025-11-12.

Conditions:
Hereditary cancer-predisposing syndrome. Also called: Tumor predisposition; Neoplastic Syndromes, Hereditary; Hereditary Cancer Syndrome; Hereditary neoplastic syndrome. Identifiers: Orphanet 140162, MedGen C0027672, MeSH D009386, MONDO:0015356.
Fanconi anemia complementation group J. Also called: BRIP1-Related Fanconi Anemia. Identifiers: Orphanet 84, MedGen C1836860, MONDO:0012187, OMIM 609054.
Familial cancer of breast. Also called: BREAST CANCER, FAMILIAL; hereditary breast carcinoma; Hereditary breast cancer. Identifiers: Orphanet 227535, MedGen C0346153, MONDO:0016419, OMIM 114480. Disease mechanism: loss of function.

Allele frequency attached by ClinVar (database versions not stated): gnomAD exomes 0.00001.
gnomAD v4.1: 3 of 1,614,040 alleles (0.00019%); highest among the groups gnomAD compares: Non-Finnish European, 0.00025%; no homozygotes.

Submissions (4):

Labcorp Genetics (formerly Invitae), Labcorp
Classification: Likely benign for Familial cancer of breast; Fanconi anemia complementation group J. Last evaluated: 2025-11-12. Review status: criteria provided, single submitter. Criteria: Invitae Variant Classification Sherloc (09022015). Collection method: clinical testing. Allele origin: germline.

Myriad Genetics, Inc.
Classification: Benign for Familial cancer of breast. Last evaluated: 2024-09-06. Review status: criteria provided, single submitter. Criteria: Myriad Autosomal Dominant, Autosomal Recessive and X-Linked Classification Criteria (2023). Collection method: clinical testing. Allele origin: unknown.
Comment: This variant is considered benign. This variant is a silent/synonymous amino acid change and it is not expected to impact splicing.

Ambry Genetics
Classification: Likely benign for Hereditary cancer-predisposing syndrome. Last evaluated: 2018-09-14. Review status: criteria provided, single submitter. Criteria: Ambry Variant Classification Scheme 2023. Collection method: clinical testing. Allele origin: germline.

Color Diagnostics, LLC DBA Color Health
Classification: Likely benign for Hereditary cancer-predisposing syndrome. Last evaluated: 2017-03-27. Review status: criteria provided, single submitter. Criteria: ACMG Guidelines, 2015. Collection method: clinical testing. Allele origin: germline.